The following is an entry in ClinVar:

GRCh38/hg38 1q43-44(chr1:241757249-248891309)x1

Genes: ADSS2 (adenylosuccinate synthase 2; minus strand), AHCTF1 (AT-hook containing transcription factor 1; minus strand), AKT3 (AKT serine/threonine kinase 3; minus strand), AKT3-IT1 (AKT3 intronic transcript 1; minus strand), BECN2 (beclin 2; plus strand) and 251 more. Cytogenetic location: 1q43-44.
Variant type: copy number loss.
Change: copy number 1 (one copy instead of two) of chr1:241,757,249-248,891,309 (7.13 Mb, GRCh38 coordinates, 1-based), cytogenetic band 1q43-44.
Identifiers: ClinVar variation 60154 (VCV000060154.2).

ClinVar aggregate classification (germline): Pathogenic (1 of 4 stars; one submission).

Submission:

ISCA Site 6
Classification: Pathogenic. Last evaluated: 2011-08-12. Review status: criteria provided, single submitter. Criteria: Kaminsky et al. (Genet Med. 2011). Collection method: clinical testing. Allele origin: de novo. Affected: yes. Observed: 1 variant allele.
Comment: Copy number variation identified through the course of routine clinical cytogenomic testing in postnatal populations. Clinical assertions have been curated as described in Kaminsky et al. 2011.